The following is an entry in ClinVar:

NM_018127.7(ELAC2):c.908G>T (p.Gly303Val)

Gene: ELAC2 (elaC ribonuclease Z 2; minus strand). Cytogenetic location: 17p12.
Variant type: single nucleotide variant.
Coding change: c.908G>T on transcript NM_018127.7 (MANE Select); coding-DNA position 908, G replaced by T.
Protein change: p.Gly303Val; replaces glycine 303 with valine.
Molecular consequence: missense variant.
Genome position (GRCh38, 1-based): chr17:13,005,064, C>A on the plus strand (G>T on the coding strand, the complement: ELAC2 is on the minus strand). VCF-style: chr17-13005064-C-A. GRCh37 (hg19) VCF-style: chr17-12908381-C-A.
Other names: c.788G>T, p.Gly263Val (NM_001165962.2); c.908G>T, p.Gly303Val (NM_173717.2); c.908G>T (NM_018127.6); short protein forms G303V, G263V.
Identifiers: ClinVar variation 1364981 (VCV001364981.4), dbSNP rs188256643, ClinGen allele CA288085228.

ClinVar aggregate classification (germline): Uncertain significance. Review status: criteria provided, multiple submitters, no conflicts (2 of 4 stars). 2 submissions from 2 submitters: Uncertain significance (2). Last evaluated 2024-01-24.

Conditions:
Combined oxidative phosphorylation defect type 17. Also called: Combined oxidative phosphorylation deficiency 17. Identifiers: Orphanet 369913, MedGen C3809526, MONDO:0014190, OMIM 615440.
Inborn genetic diseases. Identifiers: MedGen C0950123, MeSH D030342.

gnomAD v4.1: 14 of 1,614,196 alleles (0.00087%); highest among the groups gnomAD compares: Non-Finnish European, 0.001%; no homozygotes.

Submissions (2):

Ambry Genetics
Classification: Uncertain significance for Inborn genetic diseases. Last evaluated: 2024-01-24. Review status: criteria provided, single submitter. Criteria: Ambry Variant Classification Scheme 2023. Collection method: clinical testing. Allele origin: germline.

Labcorp Genetics (formerly Invitae), Labcorp
Classification: Uncertain significance for Combined oxidative phosphorylation defect type 17. Last evaluated: 2022-07-12. Review status: criteria provided, single submitter. Criteria: Invitae Variant Classification Sherloc (09022015). Collection method: clinical testing. Allele origin: germline.
Comment: This sequence change replaces glycine, which is neutral and non-polar, with valine, which is neutral and non-polar, at codon 303 of the ELAC2 protein (p.Gly303Val). This variant is present in population databases (no rsID available, gnomAD 0.0009%). This variant has not been reported in the literature in individuals affected with ELAC2-related conditions. ClinVar contains an entry for this variant (Variation ID: 1364981). Algorithms developed to predict the effect of missense changes on protein structure and function are either unavailable or do not agree on the potential impact of this missense change (SIFT: "Tolerated"; PolyPhen-2: "Probably Damaging"; Align-GVGD: "Class C0"). In summary, the available evidence is currently insufficient to determine the role of this variant in disease. Therefore, it has been classified as a Variant of Uncertain Significance.